The following is an entry in ClinVar:

ClinVar aggregate classification (germline): Pathogenic. Review status: criteria provided, multiple submitters, no conflicts (2 of 4 stars). 2 submissions from 2 submitters: Pathogenic (2). Last evaluated 2025-09-27.

Conditions:
ERCC2-related disorder. Also called: ERCC2-related conditions; ERCC2-related condition; ERCC2-related disorders. Identifiers: MedGen CN239291.

Submissions (2):

Myriad Genetics, Inc.
Classification: Pathogenic for ERCC2-related disorder. Last evaluated: 2025-09-27. Review status: criteria provided, single submitter. Criteria: Myriad Autosomal Dominant, Autosomal Recessive and X-Linked Classification Criteria (2023). Collection method: clinical testing. Allele origin: unknown.
Comment: NM_000400.3(ERCC2):c.1051C>T(Q351*) is expected to be pathogenic in the context of ERCC2-related disorders. This variant is predicted to lead to an abnormal or absent protein product due to the creation of a premature termination codon in ERCC2, a gene where loss-of-function variants are known to be pathogenic. Please note: this variant was assessed in the context of healthy population screening.

Labcorp Genetics (formerly Invitae), Labcorp
Classification: Pathogenic. Last evaluated: 2024-01-18. Review status: criteria provided, single submitter. Criteria: Invitae Variant Classification Sherloc (09022015). Collection method: clinical testing. Allele origin: germline.
Comment: This sequence change creates a premature translational stop signal (p.Gln351*) in the ERCC2 gene. It is expected to result in an absent or disrupted protein product. Loss-of-function variants in ERCC2 are known to be pathogenic (PMID: 9238033, 11335038, 19085937, 19934020). This variant is not present in population databases (gnomAD no frequency). This variant has not been reported in the literature in individuals affected with ERCC2-related conditions. For these reasons, this variant has been classified as Pathogenic.

Literature cited by the submitters: PubMed 9238033 (cited by Labcorp Genetics (formerly Invitae), Labcorp); PubMed 11335038 (cited by Labcorp Genetics (formerly Invitae), Labcorp); PubMed 19085937 (cited by Labcorp Genetics (formerly Invitae), Labcorp); PubMed 19934020 (cited by Labcorp Genetics (formerly Invitae), Labcorp).

NM_000400.4(ERCC2):c.1051C>T (p.Gln351Ter)

Gene: ERCC2 (ERCC excision repair 2, TFIIH core complex helicase subunit; minus strand). Cytogenetic location: 19q13.32.
Variant type: single nucleotide variant.
Coding change: c.1051C>T on transcript NM_000400.4 (MANE Select); coding-DNA position 1051, C replaced by T.
Protein change: p.Gln351Ter; replaces glutamine 351 with a stop codon.
Molecular consequence: nonsense.
Genome position (GRCh38, 1-based): chr19:45,363,810, G>A on the plus strand (C>T on the coding strand, the complement: ERCC2 is on the minus strand). VCF-style: chr19-45363810-G-A. GRCh37 (hg19) VCF-style: chr19-45867068-G-A.
Other names: c.979C>T, p.Gln327Ter (NM_001130867.2); short protein forms Q327*, Q351*.
Identifiers: ClinVar variation 2999778 (VCV002999778.4), dbSNP rs2514028585, ClinGen allele CA406372471.